The following is an entry in ClinVar:

ClinVar aggregate classification (germline): Uncertain significance. Review status: criteria provided, multiple submitters, no conflicts (2 of 4 stars). 2 submissions from 2 submitters: Uncertain significance (2). Last evaluated 2022-09-16.

Submissions (2):

Blueprint Genetics
Classification: Uncertain significance. Last evaluated: 2022-09-16. Review status: criteria provided, single submitter. Criteria: ACMG Guidelines, 2015. Collection method: clinical testing. Allele origin: germline.

Labcorp Genetics (formerly Invitae), Labcorp
Classification: Uncertain significance. Last evaluated: 2022-04-03. Review status: criteria provided, single submitter. Criteria: Invitae Variant Classification Sherloc (09022015). Collection method: clinical testing. Allele origin: germline.
Comment: This sequence change replaces aspartic acid, which is acidic and polar, with histidine, which is basic and polar, at codon 1322 of the CDK13 protein (p.Asp1322His). This variant is not present in population databases (gnomAD no frequency). This variant has not been reported in the literature in individuals affected with CDK13-related conditions. Algorithms developed to predict the effect of missense changes on protein structure and function are either unavailable or do not agree on the potential impact of this missense change (SIFT: "Deleterious"; PolyPhen-2: "Probably Damaging"; Align-GVGD: "Class C0"). In summary, the available evidence is currently insufficient to determine the role of this variant in disease. Therefore, it has been classified as a Variant of Uncertain Significance.

NM_003718.5(CDK13):c.3964G>C (p.Asp1322His)

Gene: CDK13 (cyclin dependent kinase 13; plus strand). Cytogenetic location: 7p14.1.
Variant type: single nucleotide variant.
Coding change: c.3964G>C on transcript NM_003718.5 (MANE Select); coding-DNA position 3964, G replaced by C.
Protein change: p.Asp1322His; replaces aspartic acid 1322 with histidine.
Molecular consequence: missense variant.
Genome position (GRCh38, 1-based): chr7:40,094,405, G>C. VCF-style: chr7-40094405-G-C. GRCh37 (hg19) VCF-style: chr7-40134004-G-C.
Other names: c.3784G>C, p.Asp1262His (NM_031267.4); short protein forms D1322H, D1262H.
Identifiers: ClinVar variation 2119660 (VCV002119660.5), dbSNP rs760065165, ClinGen allele CA367296157.